The following is an entry in ClinVar:

NM_000628.5(IL10RB):c.857C>T (p.Ser286Leu)

Genes: IL10RB (interleukin 10 receptor subunit beta; plus strand), IFNAR2-IL10RB (IFNAR2-IL10RB readthrough; plus strand). Cytogenetic location: 21q22.11.
Variant type: single nucleotide variant.
Coding change: c.857C>T on transcript NM_000628.5 (MANE Select); coding-DNA position 857, C replaced by T.
Protein change: p.Ser286Leu; replaces serine 286 with leucine.
Molecular consequence: missense variant.
Genome position (GRCh38, 1-based): chr21:33,296,236, C>T. VCF-style: chr21-33296236-C-T. GRCh37 (hg19) VCF-style: chr21-34668541-C-T.
Other names: short protein forms S286L.
Identifiers: ClinVar variation 1052817 (VCV001052817.6), dbSNP rs771890796, ClinGen allele CA10006275.

ClinVar aggregate classification (germline): Uncertain significance. Review status: criteria provided, multiple submitters, no conflicts (2 of 4 stars). 2 submissions from 2 submitters: Uncertain significance (2). Last evaluated 2024-01-10.

Conditions:
Inflammatory bowel disease 25. Also called: Inflammatory bowel disease 25, early onset, autosomal recessive. Identifiers: Orphanet 238569, MedGen C2675508, MONDO:0012941, OMIM 612567.

gnomAD v4.1: 71 of 1,614,032 alleles (0.0044%); highest among the groups gnomAD compares: Middle Eastern, 0.033%; no homozygotes.

Submissions (2):

Labcorp Genetics (formerly Invitae), Labcorp
Classification: Uncertain significance for Inflammatory bowel disease 25. Last evaluated: 2024-01-10. Review status: criteria provided, single submitter. Criteria: Invitae Variant Classification Sherloc (09022015). Collection method: clinical testing. Allele origin: germline.
Comment: This sequence change replaces serine, which is neutral and polar, with leucine, which is neutral and non-polar, at codon 286 of the IL10RB protein (p.Ser286Leu). This variant is present in population databases (rs771890796, gnomAD 0.007%). This variant has not been reported in the literature in individuals affected with IL10RB-related conditions. ClinVar contains an entry for this variant (Variation ID: 1052817). An algorithm developed to predict the effect of missense changes on protein structure and function (PolyPhen-2) suggests that this variant¬†is likely to be tolerated. In summary, the available evidence is currently insufficient to determine the role of this variant in disease. Therefore, it has been classified as a Variant of Uncertain Significance.

Breakthrough Genomics
Classification: Uncertain significance. Review status: criteria provided, single submitter. Criteria: ACMG Guidelines, 2015. Collection method: not provided. Allele origin: germline. Inheritance: Autosomal dominant inheritance. Affected: yes.